The following is an entry in ClinVar:

NM_001267550.2(TTN):c.25535C>T (p.Thr8512Ile)

Gene: TTN (titin; minus strand). Cytogenetic location: 2q31.2.
Variant type: single nucleotide variant.
Coding change: c.25535C>T on transcript NM_001267550.2 (MANE Select); coding-DNA position 25535, C replaced by T.
Protein change: p.Thr8512Ile; replaces threonine 8512 with isoleucine.
Molecular consequence: missense variant. On other transcripts: intron variant (3).
Genome position (GRCh38, 1-based): chr2:178,717,199, G>A on the plus strand (C>T on the coding strand, the complement: TTN is on the minus strand). VCF-style: chr2-178717199-G-A. GRCh37 (hg19) VCF-style: chr2-179581926-G-A.
Other names: c.25535C>T (LRG_391t1); c.24584C>T, p.Thr8195Ile (NM_001256850.1); c.21803C>T, p.Thr7268Ile (NM_133378.4); c.13282+20883C>T (NM_003319.4); c.13858+20883C>T (NM_133437.4); c.13657+20883C>T (NM_133432.3); short protein forms T8512I, T7268I, T8195I.
Identifiers: ClinVar variation 448777 (VCV000448777.6), dbSNP rs764620561, ClinGen allele CA2000200.
Genomic context (GRCh38, chr2:178,717,199, plus strand): 5'-TTGCTTGCATAGCAGGTGTACTGCCCGGCATCGCCTTTGCCTACTTTGAGAACTGTCAGA[G>A]TGGCAGTATTTTCTACCAAAGTCATCTTGTAGTTGCCTCCAGGGCGAATCTCTCGGTTAT-3'
Protein context (NP_001254479.2, residues 8502-8522): YKMTLVENTA[Thr8512Ile]LTVLKVGKGD

ClinVar aggregate classification (germline): Uncertain significance. Review status: criteria provided, multiple submitters, no conflicts (2 of 4 stars). 4 submissions from 4 submitters: Uncertain significance (4). Last evaluated 2026-04-21.

Conditions:
TTN-related disorder. Also called: TTN-related condition; TTN-related disease; TTN-related disorders.

Allele frequency attached by ClinVar (database versions not stated): gnomAD exomes below 0.00001; ExAC 0.00001; gnomAD 0.00001; TOPMed 0.00001.
gnomAD v4.1: 6 of 1,613,558 alleles (0.00037%); highest among the groups gnomAD compares: Admixed American, 0.0017%; no homozygotes.

Submissions (4):

PreventionGenetics, part of Exact Sciences
Classification: Uncertain significance for TTN-related condition. Last evaluated: 2026-04-21. Review status: criteria provided, single submitter. Criteria: ACMG Guidelines, 2015. Collection method: clinical testing. Allele origin: germline.
Comment: The TTN c.25535C>T variant is predicted to result in the amino acid substitution p.Thr8512Ile. To our knowledge, this variant has not been reported in the literature. This variant is reported in 0.0028% of alleles in individuals of Latino descent in gnomAD. At this time, the clinical significance of this variant is uncertain due to the absence of conclusive functional and genetic evidence.

Revvity Omics, Revvity
Classification: Uncertain significance. Last evaluated: 2020-02-21. Review status: criteria provided, single submitter. Criteria: ACMG Guidelines, 2015. Collection method: clinical testing. Allele origin: germline.

GeneDx
Classification: Uncertain significance. Last evaluated: 2020-01-07. Review status: criteria provided, single submitter. Criteria: GeneDx Variant Classification Process June 2021. Collection method: clinical testing. Allele origin: germline. Affected: yes.
Comment: Not observed at a significant frequency in large population cohorts (Lek et al., 2016); In silico analysis, which includes protein predictors and evolutionary conservation, supports a deleterious effect; Missense variant in a gene in which most reported pathogenic variants are truncating/loss-of-function; Has not been previously published as pathogenic or benign to our knowledge

Athena Diagnostics
Classification: Uncertain significance. Last evaluated: 2017-04-12. Review status: criteria provided, single submitter. Criteria: Athena Diagnostics Criteria. Collection method: clinical testing. Allele origin: germline.